The following is an entry in ClinVar:

ClinVar aggregate classification (germline): Benign/Likely benign. Review status: criteria provided, multiple submitters, no conflicts (2 of 4 stars). 3 submissions from 3 submitters: Benign (1); Likely benign (2). Last evaluated 2018-05-11.

Conditions:
Erythrocyte AMP deaminase deficiency. Identifiers: Orphanet 45, MedGen C2752073, OMIM 612874, MONDO:0020734.

Allele frequency attached by ClinVar (database versions not stated): gnomAD exomes 0.00773 and 0.00594; 1000 Genomes Project 0.01058; ExAC 0.00822; 1000 Genomes Project 30x 0.00874; ESP Exome Variant Server 0.00308; gnomAD 0.00523 and 0.00581; TOPMed 0.00387.
gnomAD v4.1: 9,643 of 1,614,154 alleles (0.6%); highest among the groups gnomAD compares: East Asian, 6.2%; 133 homozygotes.

Submissions (3):

Labcorp Genetics (formerly Invitae), Labcorp
Classification: Benign. Last evaluated: 2018-05-11. Review status: criteria provided, single submitter. Criteria: Invitae Variant Classification Sherloc (09022015). Collection method: clinical testing. Allele origin: germline.

Illumina Laboratory Services, Illumina
Classification: Likely benign for Erythrocyte AMP deaminase deficiency. Last evaluated: 2018-01-13. Review status: criteria provided, single submitter. Criteria: ICSL Variant Classification Criteria 13 December 2019. Collection method: clinical testing. Allele origin: germline.
Comment: This variant was observed in the ICSL laboratory as part of a predisposition screen in an ostensibly healthy population. It had not been previously curated by ICSL or reported in the Human Gene Mutation Database (HGMD: prior to June 1st, 2018), and was therefore a candidate for classification through an automated scoring system. Utilizing variant allele frequency, disease prevalence and penetrance estimates, and inheritance mode, an automated score was calculated to assess if this variant is too frequent to cause the disease. Based on the score and internal cut-off values, a variant classified as likely benign is not then subjected to further curation. The score for this variant resulted in a classification of likely benign for this disease.

Breakthrough Genomics
Classification: Likely benign. Review status: criteria provided, single submitter. Criteria: ACMG Guidelines, 2015. Collection method: not provided. Allele origin: germline. Inheritance: Autosomal recessive inheritance. Affected: yes.

NM_001025389.2(AMPD3):c.960G>A (p.Ala320=)

Gene: AMPD3 (adenosine monophosphate deaminase 3; plus strand). Cytogenetic location: 11p15.4.
Variant type: single nucleotide variant.
Coding change: c.960G>A on transcript NM_001025389.2 (MANE Select); coding-DNA position 960, G replaced by A.
Protein change: p.Ala320=; no amino-acid change (alanine 320 retained).
Molecular consequence: synonymous variant.
Genome position (GRCh38, 1-based): chr11:10,493,369, G>A. VCF-style: chr11-10493369-G-A. GRCh37 (hg19) VCF-style: chr11-10514916-G-A.
Other names: c.987G>A, p.Ala329= (NM_000480.3); c.981G>A, p.Ala327= (NM_001025390.2); c.960G>A, p.Ala320= (NM_001172430.1); c.483G>A, p.Ala161= (NM_001172431.2).
Identifiers: ClinVar variation 302162 (VCV000302162.9), dbSNP rs75283041, ClinGen allele CA5882828.